The following is an entry in ClinVar:

NM_013382.7(POMT2):c.1121C>G (p.Thr374Ser)

Gene: POMT2 (protein O-mannosyltransferase 2; minus strand). Cytogenetic location: 14q24.3.
Variant type: single nucleotide variant.
Coding change: c.1121C>G on transcript NM_013382.7 (MANE Select); coding-DNA position 1121, C replaced by G.
Protein change: p.Thr374Ser; replaces threonine 374 with serine.
Molecular consequence: missense variant.
Genome position (GRCh38, 1-based): chr14:77,291,376, G>C on the plus strand (C>G on the coding strand, the complement: POMT2 is on the minus strand). VCF-style: chr14-77291376-G-C. GRCh37 (hg19) VCF-style: chr14-77757719-G-C.
Other names: short protein forms T374S.
Identifiers: ClinVar variation 851511 (VCV000851511.11), dbSNP rs973161535, ClinGen allele CA263827075.

ClinVar aggregate classification (germline): Uncertain significance. Review status: criteria provided, multiple submitters, no conflicts (2 of 4 stars). 4 submissions from 4 submitters: Uncertain significance (4). Last evaluated 2024-11-24.

Conditions:
Inborn genetic diseases. Identifiers: MedGen C0950123, MeSH D030342.
Muscular dystrophy-dystroglycanopathy (congenital with brain and eye anomalies), type A2. Also called: MUSCULAR DYSTROPHY-DYSTROGLYCANOPATHY (CONGENITAL WITH BRAIN AND EYE ANOMALIES), TYPE A, 2; WALKER-WARBURG SYNDROME OR MUSCLE-EYE-BRAIN DISEASE, POMT2-RELATED. Identifiers: Orphanet 588, Orphanet 899, MedGen C3150411, MONDO:0013154, OMIM 613150.
Muscular dystrophy-dystroglycanopathy (congenital with impaired intellectual development), type B, 2. Also called: MUSCULAR DYSTROPHY, CONGENITAL, POMT2-RELATED; Muscular dystrophy-dystroglycanopathy (congenital with intellectual disability), type B2. Identifiers: MedGen C3150416, MONDO:0013160, OMIM 613156.
Autosomal recessive limb-girdle muscular dystrophy type 2N. Also called: MUSCULAR DYSTROPHY-DYSTROGLYCANOPATHY, LIMB-GIRDLE, POMT2-RELATED; Muscular dystrophy-dystroglycanopathy (limb-girdle), type C, 2. Identifiers: Orphanet 206559, MedGen C3150418, MONDO:0013162, OMIM 613158.

Allele frequency attached by ClinVar (database versions not stated): gnomAD exomes below 0.00001; gnomAD 0.00002 and 0.00003; TOPMed 0.00002.
gnomAD v4.1: 15 of 1,013,124 alleles (0.0015%); highest among the groups gnomAD compares: Non-Finnish European, 0.0021%; no homozygotes.

Submissions (4):

Ambry Genetics
Classification: Uncertain significance for Inborn genetic diseases. Last evaluated: 2024-11-24. Review status: criteria provided, single submitter. Criteria: Ambry Variant Classification Scheme 2023. Collection method: clinical testing. Allele origin: germline.

Revvity Omics, Revvity
Classification: Uncertain significance. Last evaluated: 2024-11-15. Review status: criteria provided, single submitter. Criteria: ACMG Guidelines, 2015. Collection method: clinical testing. Allele origin: germline.

GeneDx
Classification: Uncertain significance. Last evaluated: 2024-11-01. Review status: criteria provided, single submitter. Criteria: GeneDx Variant Classification Process June 2021. Collection method: clinical testing. Allele origin: germline. Affected: yes.
Comment: Not observed at significant frequency in large population cohorts (gnomAD); In silico analysis supports that this missense variant has a deleterious effect on protein structure/function; Has not been previously published as pathogenic or benign to our knowledge

Labcorp Genetics (formerly Invitae), Labcorp
Classification: Uncertain significance for Muscular dystrophy-dystroglycanopathy (congenital with impaired intellectual development), type B, 2; Muscular dystrophy-dystroglycanopathy (congenital with brain and eye anomalies), type A2; Autosomal recessive limb-girdle muscular dystrophy type 2N. Last evaluated: 2022-08-16. Review status: criteria provided, single submitter. Criteria: Invitae Variant Classification Sherloc (09022015). Collection method: clinical testing. Allele origin: germline.
Comment: This sequence change replaces threonine, which is neutral and polar, with serine, which is neutral and polar, at codon 374 of the POMT2 protein (p.Thr374Ser). The frequency data for this variant in the population databases is considered unreliable, as metrics indicate poor data quality at this position in the gnomAD database. This variant has not been reported in the literature in individuals affected with POMT2-related conditions. ClinVar contains an entry for this variant (Variation ID: 851511). Algorithms developed to predict the effect of missense changes on protein structure and function (SIFT, PolyPhen-2, Align-GVGD) all suggest that this variant is likely to be disruptive. Algorithms developed to predict the effect of sequence changes on RNA splicing suggest that this variant may create or strengthen a splice site. In summary, the available evidence is currently insufficient to determine the role of this variant in disease. Therefore, it has been classified as a Variant of Uncertain Significance.